The following is an entry in ClinVar:

ClinVar aggregate classification (germline): Uncertain significance. Review status: criteria provided, multiple submitters, no conflicts (2 of 4 stars). 3 submissions from 3 submitters: Uncertain significance (3). Last evaluated 2025-08-27.

Conditions:
Cardiomyopathy (CMYO). Also called: Cardiomyopathies. Identifiers: Orphanet 167848, MedGen C0878544, MONDO:0004994, HP:0001638. Inheritance: Various modes of inheritance.

Allele frequency attached by ClinVar (database versions not stated): gnomAD exomes below 0.00001; ExAC 0.00001; gnomAD 0.00001; 1000 Genomes Project 30x 0.00016; 1000 Genomes Project 0.00020.
gnomAD v4.1: 3 of 1,613,558 alleles (0.00019%); highest among the groups gnomAD compares: African/African-American, 0.0013%; no homozygotes.

Submissions (3):

Color Diagnostics, LLC DBA Color Health
Classification: Uncertain significance for Cardiomyopathy. Last evaluated: 2025-08-27. Review status: criteria provided, single submitter. Criteria: ACMG Guidelines, 2015. Collection method: clinical testing. Allele origin: germline.
Comment: This variant is located in the 5' untranslated region of the MYH7 gene. To our knowledge, functional studies have not been reported for this variant. This variant has not been reported in individuals affected with MYH7-related disorders in the literature. This variant has been identified in 5/281872 chromosomes in the general population by the Genome Aggregation Database (gnomAD). The available evidence is insufficient to determine the role of this variant in disease conclusively. Therefore, this variant is classified as a Variant of Uncertain Significance.

All of Us Research Program, National Institutes of Health
Classification: Uncertain significance for Cardiomyopathy. Last evaluated: 2023-08-15. Review status: criteria provided, single submitter. Criteria: ACMG Guidelines, 2015. Collection method: clinical testing. Allele origin: germline. Inheritance: Autosomal dominant inheritance. Observed: 1 variant allele, 1 heterozygote.
Comment: This variant is located in the 5' untranslated region of the MYH7 gene. To our knowledge, functional studies have not been reported for this variant. This variant has not been reported in individuals affected with MYH7-related disorders in the literature. This variant has been identified in 5/281872 chromosomes in the general population by the Genome Aggregation Database (gnomAD). The available evidence is insufficient to determine the role of this variant in disease conclusively. Therefore, this variant is classified as a Variant of Uncertain Significance.

This study involves interpretation of variants in research participants for the purpose of population health screening. Participant phenotype was not available at the time of variant classification. Additional details can be found in publication PMID: 35346344, PMCID: PMC8962531

CHEO Genetics Diagnostic Laboratory, Children's Hospital of Eastern Ontario
Classification: Uncertain significance for Cardiomyopathy. Last evaluated: 2020-01-02. Review status: criteria provided, single submitter. Criteria: ACMG Guidelines, 2015. Collection method: clinical testing. Allele origin: germline. Study: Canadian Open Genetics Repository.

NM_000257.4(MYH7):c.-8G>A

Gene: MYH7 (myosin heavy chain 7; minus strand). Cytogenetic location: 14q11.2.
Variant type: single nucleotide variant.
Coding change: c.-8G>A on transcript NM_000257.4 (MANE Select); 8 bases upstream of the start codon, G replaced by A.
Molecular consequence: 5 prime UTR variant.
Genome position (GRCh38, 1-based): chr14:23,433,740, C>T on the plus strand (G>A on the coding strand, the complement: MYH7 is on the minus strand). VCF-style: chr14-23433740-C-T. GRCh37 (hg19) VCF-style: chr14-23902949-C-T.
Other names: c.-8G>A (LRG_384t1).
Identifiers: ClinVar variation 626824 (VCV000626824.5), dbSNP rs45556042, ClinGen allele CA049658.